The following is an entry in ClinVar:

ClinVar aggregate classification (germline): Conflicting classifications of pathogenicity. Review status: criteria provided, conflicting classifications (1 of 4 stars). 3 submissions from 3 submitters: Likely pathogenic (1); Uncertain significance (2). Last evaluated 2025-06-13.

Conditions:
Intellectual disability, X-linked 102 (MRXSSB). Also called: Intellectual developmental disorder, X-linked syndromic, Snijders Blok type. Identifiers: Orphanet 457260, MedGen C5393299, MONDO:0010497, OMIM 300958.

Allele frequency attached by ClinVar (database versions not stated): gnomAD exomes below 0.00001.

Submissions (3):

GeneDx
Classification: Likely pathogenic. Last evaluated: 2025-06-13. Review status: criteria provided, single submitter. Criteria: GeneDx Variant Classification Process June 2021. Collection method: clinical testing. Allele origin: germline. Affected: yes.
Comment: Not observed at significant frequency in large population cohorts (gnomAD); In silico analysis supports that this missense variant has a deleterious effect on protein structure/function; Has not been previously published as pathogenic or benign to our knowledge

Labcorp Genetics (formerly Invitae), Labcorp
Classification: Uncertain significance. Last evaluated: 2023-09-04. Review status: criteria provided, single submitter. Criteria: Invitae Variant Classification Sherloc (09022015). Collection method: clinical testing. Allele origin: germline.
Comment: This sequence change replaces arginine, which is basic and polar, with histidine, which is basic and polar, at codon 263 of the DDX3X protein (p.Arg263His). This variant is not present in population databases (gnomAD no frequency). This variant has not been reported in the literature in individuals affected with DDX3X-related conditions. ClinVar contains an entry for this variant (Variation ID: 1526289). Experimental studies and prediction algorithms are not available or were not evaluated, and the functional significance of this variant is currently unknown. In summary, the available evidence is currently insufficient to determine the role of this variant in disease. Therefore, it has been classified as a Variant of Uncertain Significance.

Institute for Genomic Medicine (IGM) Clinical Laboratory, Nationwide Children's Hospital
Classification: Uncertain significance for Intellectual disability, X-linked 102. Last evaluated: 2022-06-30. Review status: criteria provided, single submitter. Criteria: ACMG Guidelines, 2015. Collection method: clinical testing. Allele origin: germline.
Comment: This variant is absent from or present at an exceedingly low frequency in gnomAD, a large-scale control population database (ACMG/AMP: PM2). This variant occurs in a gene with a low rate of benign missense variation, in which missense alterations are a common mechanism of disease (ACMG/AMP: PP2).

NM_001356.5(DDX3X):c.788G>A (p.Arg263His)

Gene: DDX3X (DEAD-box helicase 3 X-linked; plus strand). Cytogenetic location: Xp11.4.
Variant type: single nucleotide variant.
Coding change: c.788G>A on transcript NM_001356.5 (MANE Select); coding-DNA position 788, G replaced by A.
Protein change: p.Arg263His; replaces arginine 263 with histidine.
Molecular consequence: missense variant. On other transcripts: non-coding transcript variant (1).
Genome position (GRCh38, 1-based): chrX:41,344,052, G>A. VCF-style: chrX-41344052-G-A. GRCh37 (hg19) VCF-style: chrX-41203305-G-A.
Other names: c.788G>A, p.Arg263His (NM_001193416.3); c.740G>A, p.Arg247His (NM_001193417.3); c.230G>A, p.Arg77His (NM_001363819.1); short protein forms R247H, R263H, R77H.
Identifiers: ClinVar variation 1526289 (VCV001526289.9), dbSNP rs867967504, ClinGen allele CA329020226.